The following is an entry in ClinVar:

NM_002693.3(POLG):c.1433+1G>C

Gene: POLG (DNA polymerase gamma, catalytic subunit; minus strand). Cytogenetic location: 15q26.1.
Variant type: single nucleotide variant.
Coding change: c.1433+1G>C on transcript NM_002693.3 (MANE Select); the canonical splice donor site of the intron after coding-DNA position 1433, G replaced by C.
Molecular consequence: splice donor variant.
Genome position (GRCh38, 1-based): chr15:89,327,166, C>G on the plus strand (G>C on the coding strand, the complement: POLG is on the minus strand). VCF-style: chr15-89327166-C-G. GRCh37 (hg19) VCF-style: chr15-89870397-C-G.
Other names: c.1433+1G>C (NM_001126131.2).
Identifiers: ClinVar variation 2696580 (VCV002696580.3), dbSNP rs771623994, ClinGen allele CA393761455.

ClinVar aggregate classification (germline): Pathogenic (1 of 4 stars; one submission).

Conditions:
Progressive sclerosing poliodystrophy (MTDPS4A). Also called: ALPERS PROGRESSIVE INFANTILE POLIODYSTROPHY; NEURONAL DEGENERATION OF CHILDHOOD WITH LIVER DISEASE, PROGRESSIVE; Mitochondrial DNA depletion syndrome 4A (Alpers type); Mitochondrial DNA Depletion Syndrome 4A; Alpers-Huttenlocher Syndrome (AHS); Alpers Syndrome. Identifiers: Orphanet 726, MedGen C0205710, MONDO:0008758, OMIM 203700.

Submission:

Labcorp Genetics (formerly Invitae), Labcorp
Classification: Pathogenic for Progressive sclerosing poliodystrophy. Last evaluated: 2023-11-17. Review status: criteria provided, single submitter. Criteria: Invitae Variant Classification Sherloc (09022015). Collection method: clinical testing. Allele origin: germline.
Comment: This sequence change affects a donor splice site in intron 7 of the POLG gene. It is expected to disrupt RNA splicing. Variants that disrupt the donor or acceptor splice site typically lead to a loss of protein function (PMID: 16199547), and loss-of-function variants in POLG are known to be pathogenic (PMID: 18546365). This variant is not present in population databases (gnomAD no frequency). Disruption of this splice site has been observed in individual(s) with Alpers syndrome (PMID: 21880868; Invitae). In at least one individual the data is consistent with being in trans (on the opposite chromosome) from a pathogenic variant. Algorithms developed to predict the effect of sequence changes on RNA splicing suggest that this variant may disrupt the consensus splice site. For these reasons, this variant has been classified as Pathogenic.

Literature cited by the submitters: PubMed 16199547; PubMed 18546365; PubMed 21880868.